The following is an entry in ClinVar:

NM_006031.6(PCNT):c.5463G>A (p.Gln1821=)

Gene: PCNT (pericentrin; plus strand). Cytogenetic location: 21q22.3.
Variant type: single nucleotide variant.
Coding change: c.5463G>A on transcript NM_006031.6 (MANE Select); coding-DNA position 5463, G replaced by A.
Protein change: p.Gln1821=; no amino-acid change (glutamine 1821 retained).
Molecular consequence: synonymous variant.
Genome position (GRCh38, 1-based): chr21:46,411,536, G>A. VCF-style: chr21-46411536-G-A. GRCh37 (hg19) VCF-style: chr21-47831450-G-A.
Other names: c.5109G>A, p.Gln1703= (NM_001315529.2).
Identifiers: ClinVar variation 3355961 (VCV003355961.1).

ClinVar aggregate classification (germline): Likely benign (0 of 4 stars; one submission).

Conditions:
PCNT-related disorder. Also called: PCNT-related condition.

gnomAD v4.1: 4 of 1,611,006 alleles (0.00025%); highest among the groups gnomAD compares: Non-Finnish European, 0.00034%; no homozygotes.

Submission:

PreventionGenetics, part of Exact Sciences
Classification: Likely benign for PCNT-related condition. Last evaluated: 2023-04-07. Review status: no assertion criteria provided. Collection method: clinical testing. Allele origin: germline.
Comment: This variant is classified as likely benign based on ACMG/AMP sequence variant interpretation guidelines (Richards et al. 2015 PMID: 25741868, with internal and published modifications).